The following is an entry in ClinVar:

ClinVar aggregate classification (germline): Uncertain significance. Review status: criteria provided, multiple submitters, no conflicts (2 of 4 stars). 4 submissions from 4 submitters: Uncertain significance (4). Last evaluated 2024-08-11.

Conditions:
Fabry disease. Also called: Angiokeratoma corporis diffusum; Fabry's disease; Ceramide trihexosidosis; ALPHA-GALACTOSIDASE A DEFICIENCY; ANDERSON-FABRY DISEASE; CERAMIDE TRIHEXOSIDASE DEFICIENCY. Identifiers: Orphanet 324, MedGen C0002986, MONDO:0010526, OMIM 301500, HP:0001071. Disease mechanism: Fabry disease is due to inactivating mutations in the X-linked GLA gene resulting in deficiency of the enzyme Alpha Galactosidase-A., loss of function.

Allele frequency attached by ClinVar (database versions not stated): TOPMed below 0.00001; gnomAD 0.00001.
gnomAD v4.1: 1 of 1,209,400 alleles (0.000083%); highest among the groups gnomAD compares: Non-Finnish European, 0.00011%; no homozygotes.

Submissions (4):

Labcorp Genetics (formerly Invitae), Labcorp
Classification: Uncertain significance for Fabry disease. Last evaluated: 2024-08-11. Review status: criteria provided, single submitter. Criteria: Invitae Variant Classification Sherloc (09022015). Collection method: clinical testing. Allele origin: germline.
Comment: This sequence change replaces valine, which is neutral and non-polar, with glutamic acid, which is acidic and polar, at codon 376 of the GLA protein (p.Val376Glu). This variant is not present in population databases (gnomAD no frequency). This variant has not been reported in the literature in individuals affected with GLA-related conditions. ClinVar contains an entry for this variant (Variation ID: 450427). Advanced modeling of protein sequence and biophysical properties (such as structural, functional, and spatial information, amino acid conservation, physicochemical variation, residue mobility, and thermodynamic stability) has been performed at Invitae for this missense variant, however the output from this modeling did not meet the statistical confidence thresholds required to predict the impact of this variant on GLA protein function. In summary, the available evidence is currently insufficient to determine the role of this variant in disease. Therefore, it has been classified as a Variant of Uncertain Significance.

All of Us Research Program, National Institutes of Health
Classification: Uncertain significance for Fabry disease. Last evaluated: 2024-05-14. Review status: criteria provided, single submitter. Criteria: ACMG Guidelines, 2015. Collection method: clinical testing. Allele origin: germline. Inheritance: X-linked inheritance. Observed: 3 variant alleles, 2 heterozygotes, 1 homozygote.
Comment: This missense variant replaces valine with glutamic acid at codon 376 of the GLA protein. Computational prediction suggests that this variant may not impact protein structure and function (internally defined REVEL score threshold <= 0.5, PMID: 27666373). To our knowledge, functional studies have not been reported for this variant. This variant has not been reported in individuals affected with GLA-related disorders in the literature. This variant has not been identified in the general population by the Genome Aggregation Database (gnomAD). The available evidence is insufficient to determine the role of this variant in disease conclusively. Therefore, this variant is classified as a Variant of Uncertain Significance.

This study involves interpretation of variants in research participants for the purpose of population health screening. Participant phenotype was not available at the time of variant classification. Additional details can be found in publication PMID: 35346344, PMCID: PMC8962531

Genome-Nilou Lab
Classification: Uncertain significance for Fabry disease. Last evaluated: 2021-07-15. Review status: criteria provided, single submitter. Criteria: ACMG Guidelines, 2015. Collection method: clinical testing. Allele origin: germline. Affected: no.

GeneDx
Classification: Uncertain significance. Last evaluated: 2019-10-10. Review status: criteria provided, single submitter. Criteria: GeneDx Variant Classification Process June 2021. Collection method: clinical testing. Allele origin: germline. Affected: yes.
Comment: Not observed in large population cohorts (Lek et al., 2016); In silico analysis, which includes protein predictors and evolutionary conservation, supports that this variant does not alter protein structure/function; Has not been previously published as pathogenic or benign to our knowledge

NM_000169.3(GLA):c.1127T>A (p.Val376Glu)

Genes: GLA (galactosidase alpha; minus strand), RPL36A-HNRNPH2 (RPL36A-HNRNPH2 readthrough; plus strand). Cytogenetic location: Xq22.1.
Variant type: single nucleotide variant.
Coding change: c.1127T>A on transcript NM_000169.3 (MANE Select); coding-DNA position 1127, T replaced by A.
Protein change: p.Val376Glu; replaces valine 376 with glutamic acid.
Molecular consequence: missense variant. On other transcripts: non-coding transcript variant (3), intron variant (2).
Genome position (GRCh38, 1-based): chrX:101,397,972, A>T on the plus strand (T>A on the coding strand, the complement: GLA is on the minus strand). VCF-style: chrX-101397972-A-T. GRCh37 (hg19) VCF-style: chrX-100652960-A-T.
Other names: c.1250T>A, p.Val417Glu (NM_001406747.1); c.300+2515A>T (NM_001199973.2); c.177+6150A>T (NM_001199974.2); short protein forms V376E, V417E.
Identifiers: ClinVar variation 450427 (VCV000450427.16), dbSNP rs1555984793, ClinGen allele CA413920420.